The following is an entry in ClinVar:

ClinVar aggregate classification (germline): Uncertain significance. Review status: criteria provided, multiple submitters, no conflicts (2 of 4 stars). 3 submissions from 3 submitters: Uncertain significance (3). Last evaluated 2025-12-15.

Conditions:
Hereditary cancer-predisposing syndrome. Also called: Tumor predisposition; Hereditary neoplastic syndrome; Neoplastic Syndromes, Hereditary; Hereditary Cancer Syndrome. Identifiers: Orphanet 140162, MedGen C0027672, MeSH D009386, MONDO:0015356.
Familial cancer of breast. Also called: Hereditary breast cancer; BREAST CANCER, FAMILIAL; hereditary breast carcinoma. Identifiers: Orphanet 227535, MedGen C0346153, MONDO:0016419, OMIM 114480. Disease mechanism: loss of function.

Submissions (3):

Color Diagnostics, LLC DBA Color Health
Classification: Uncertain significance for Hereditary cancer-predisposing syndrome. Last evaluated: 2025-12-15. Review status: criteria provided, single submitter. Criteria: ACMG Guidelines, 2015. Collection method: clinical testing. Allele origin: germline.
Comment: This missense variant replaces proline with threonine at codon 210 of the PALB2 protein. Computational prediction suggests that this variant may not impact protein structure and function. To our knowledge, functional studies have not been reported for this variant. This variant has not been reported in individuals affected with PALB2-related disorders in the literature. This variant has not been identified in the general population by the Genome Aggregation Database (gnomAD). The available evidence is insufficient to determine the role of this variant in disease conclusively. Therefore, this variant is classified as a Variant of Uncertain Significance.

Ambry Genetics
Classification: Uncertain significance for Hereditary cancer-predisposing syndrome. Last evaluated: 2025-05-17. Review status: criteria provided, single submitter. Criteria: Ambry Variant Classification Scheme 2023. Collection method: clinical testing. Allele origin: germline.
Comment: The p.P210T variant (also known as c.628C>A), located in coding exon 4 of the PALB2 gene, results from a C to A substitution at nucleotide position 628. The proline at codon 210 is replaced by threonine, an amino acid with highly similar properties. This amino acid position is not well conserved in available vertebrate species. In addition, this alteration is predicted to be tolerated by in silico analysis. Since supporting evidence is limited at this time, the clinical significance of this alteration remains unclear.

Labcorp Genetics (formerly Invitae), Labcorp
Classification: Uncertain significance for Familial cancer of breast. Last evaluated: 2021-01-02. Review status: criteria provided, single submitter. Criteria: Invitae Variant Classification Sherloc (09022015). Collection method: clinical testing. Allele origin: germline.
Comment: In summary, the available evidence is currently insufficient to determine the role of this variant in disease. Therefore, it has been classified as a Variant of Uncertain Significance. Algorithms developed to predict the effect of missense changes on protein structure and function are either unavailable or do not agree on the potential impact of this missense change (SIFT: "Deleterious"; PolyPhen-2: "Possibly Damaging"; Align-GVGD: "Class C0"). This variant has not been reported in the literature in individuals with PALB2-related conditions. This variant is not present in population databases (ExAC no frequency). This sequence change replaces proline with threonine at codon 210 of the PALB2 protein (p.Pro210Thr). The proline residue is highly conserved and there is a small physicochemical difference between proline and threonine.

NM_024675.4(PALB2):c.628C>A (p.Pro210Thr)

Gene: PALB2 (partner and localizer of BRCA2; minus strand). Cytogenetic location: 16p12.2.
Variant type: single nucleotide variant.
Coding change: c.628C>A on transcript NM_024675.4 (MANE Select); coding-DNA position 628, C replaced by A.
Protein change: p.Pro210Thr; replaces proline 210 with threonine.
Molecular consequence: missense variant.
Genome position (GRCh38, 1-based): chr16:23,635,918, G>T on the plus strand (C>A on the coding strand, the complement: PALB2 is on the minus strand). VCF-style: chr16-23635918-G-T. GRCh37 (hg19) VCF-style: chr16-23647239-G-T.
Other names: short protein forms P210T.
Identifiers: ClinVar variation 1362077 (VCV001362077.12), dbSNP rs878976819, ClinGen allele CA395136591.